The following is an entry in ClinVar:

NM_001958.5(EEF1A2):c.1335C>A (p.Ser445Arg)

Gene: EEF1A2 (eukaryotic translation elongation factor 1 alpha 2; minus strand). Cytogenetic location: 20q13.33.
Variant type: single nucleotide variant.
Coding change: c.1335C>A on transcript NM_001958.5 (MANE Select); coding-DNA position 1335, C replaced by A.
Protein change: p.Ser445Arg; replaces serine 445 with arginine.
Molecular consequence: missense variant.
Genome position (GRCh38, 1-based): chr20:63,488,355, G>T on the plus strand (C>A on the coding strand, the complement: EEF1A2 is on the minus strand). VCF-style: chr20-63488355-G-T. GRCh37 (hg19) VCF-style: chr20-62119708-G-T.
Other names: short protein forms S445R.
Identifiers: ClinVar variation 864342 (VCV000864342.13), dbSNP rs372257864, ClinGen allele CA409643278.

ClinVar aggregate classification (germline): Uncertain significance. Review status: criteria provided, multiple submitters, no conflicts (2 of 4 stars). 3 submissions from 3 submitters: Uncertain significance (3). Last evaluated 2022-06-25.

Conditions:
Developmental and epileptic encephalopathy, 33 (DEE33). Also called: Epileptic encephalopathy, early infantile, 33. Identifiers: Orphanet 442835, MedGen C4225337, MONDO:0014625, OMIM 616409.
Inborn genetic diseases. Identifiers: MedGen C0950123, MeSH D030342.

Allele frequency attached by ClinVar (database versions not stated): TOPMed 0.00001.
gnomAD v4.1: 2 of 1,470,630 alleles (0.00014%); highest among the groups gnomAD compares: Non-Finnish European, 0.00018%; no homozygotes.

Submissions (3):

Labcorp Genetics (formerly Invitae), Labcorp
Classification: Uncertain significance for Developmental and epileptic encephalopathy, 33. Last evaluated: 2022-06-25. Review status: criteria provided, single submitter. Criteria: Invitae Variant Classification Sherloc (09022015). Collection method: clinical testing. Allele origin: germline.
Comment: This variant has not been reported in the literature in individuals affected with EEF1A2-related conditions. In summary, the available evidence is currently insufficient to determine the role of this variant in disease. Therefore, it has been classified as a Variant of Uncertain Significance. Advanced modeling of protein sequence and biophysical properties (such as structural, functional, and spatial information, amino acid conservation, physicochemical variation, residue mobility, and thermodynamic stability) performed at Invitae indicates that this missense variant is not expected to disrupt EEF1A2 protein function. ClinVar contains an entry for this variant (Variation ID: 864342). This variant is not present in population databases (gnomAD no frequency). This sequence change replaces serine, which is neutral and polar, with arginine, which is basic and polar, at codon 445 of the EEF1A2 protein (p.Ser445Arg).

GeneDx
Classification: Uncertain significance. Last evaluated: 2019-05-23. Review status: criteria provided, single submitter. Criteria: GeneDx Variant Classification Process June 2021. Collection method: clinical testing. Allele origin: germline. Affected: yes.
Comment: Not observed in large population cohorts (Lek et al., 2016); In silico analysis, which includes protein predictors and evolutionary conservation, supports that this variant does not alter protein structure/function; Has not been previously published as pathogenic or benign to our knowledge

Ambry Genetics
Classification: Uncertain significance for Inborn genetic diseases. Last evaluated: 2018-06-22. Review status: criteria provided, single submitter. Criteria: Ambry Variant Classification Scheme 2023. Collection method: clinical testing. Allele origin: germline.
Comment: The p.S445R variant (also known as c.1335C>A), located in coding exon 7 of the EEF1A2 gene, results from a C to A substitution at nucleotide position 1335. The serine at codon 445 is replaced by arginine, an amino acid with dissimilar properties. This amino acid position is not well conserved in available vertebrate species. In addition, this alteration is predicted to be tolerated by in silico analysis. Since supporting evidence is limited at this time, the clinical significance of this alteration remains unclear.